The following is an entry in ClinVar:

NM_000092.5(COL4A4):c.1217C>T (p.Pro406Leu)

Gene: COL4A4 (collagen type IV alpha 4 chain; minus strand). Cytogenetic location: 2q36.3.
Variant type: single nucleotide variant.
Coding change: c.1217C>T on transcript NM_000092.5 (MANE Select); coding-DNA position 1217, C replaced by T.
Protein change: p.Pro406Leu; replaces proline 406 with leucine.
Molecular consequence: missense variant.
Genome position (GRCh38, 1-based): chr2:227,094,277, G>A on the plus strand (C>T on the coding strand, the complement: COL4A4 is on the minus strand). VCF-style: chr2-227094277-G-A. GRCh37 (hg19) VCF-style: chr2-227958993-G-A.
Other names: short protein forms P406L.
Identifiers: ClinVar variation 3045717 (VCV003045717.3), dbSNP rs549802744, ClinGen allele CA2145238.
Genomic context (GRCh38, chr2:227,094,277, plus strand): 5'-CCAGGAATACCAGCTTCTCCTGGAAGCCCAGGAAGACCAGGAAATCCTTGTGGCCCAGGG[G>A]GTCCTATCATGCCTGCAAGATAAATCAAGAATGAAAATTACATATACTCTCAGAGTAAAC-3'
Protein context (NP_000083.3, residues 396-416): PGEACAGMIG[Pro406Leu]PGPQGFPGLP

ClinVar aggregate classification (germline): Uncertain significance. Review status: criteria provided, single submitter (1 of 4 stars). 2 submissions from 2 submitters: Uncertain significance (1). 1 of the submissions does not count toward it. Last evaluated 2025-11-03.

Conditions:
COL4A4-related disorder.
Inborn genetic diseases. Identifiers: MedGen C0950123, MeSH D030342.

Allele frequency attached by ClinVar (database versions not stated): TOPMed 0.00003.
gnomAD v4.1: 66 of 1,613,480 alleles (0.0041%); highest among the groups gnomAD compares: Non-Finnish European, 0.0054%; no homozygotes.

Submissions (2):

Ambry Genetics
Classification: Uncertain significance for Inborn genetic diseases. Last evaluated: 2025-11-03. Review status: criteria provided, single submitter. Criteria: Ambry Variant Classification Scheme 2023. Collection method: clinical testing. Allele origin: germline.

PreventionGenetics, part of Exact Sciences
Classification: Uncertain significance for COL4A4-related condition. Last evaluated: 2024-01-22. Review status: no assertion criteria provided. Collection method: clinical testing. Allele origin: germline. Not counted in ClinVar's aggregate classification.
Comment: The COL4A4 c.1217C>T variant is predicted to result in the amino acid substitution p.Pro406Leu. To our knowledge, this variant has not been reported in the literature. This variant is reported in 0.0062% of alleles in individuals of European (Non-Finnish) descent in gnomAD. At this time, the clinical significance of this variant is uncertain due to the absence of conclusive functional and genetic evidence.